The following is an entry in ClinVar:

ClinVar aggregate classification (germline): Uncertain significance (1 of 4 stars; one submission).

Submission:

Labcorp Genetics (formerly Invitae), Labcorp
Classification: Uncertain significance. Last evaluated: 2023-12-12. Review status: criteria provided, single submitter. Criteria: Invitae Variant Classification Sherloc (09022015). Collection method: clinical testing. Allele origin: germline.
Comment: This sequence change replaces threonine, which is neutral and polar, with alanine, which is neutral and non-polar, at codon 406 of the TRPV6 protein (p.Thr406Ala). This variant is not present in population databases (gnomAD no frequency). This variant has not been reported in the literature in individuals affected with TRPV6-related conditions. Experimental studies and prediction algorithms are not available or were not evaluated, and the functional significance of this variant is currently unknown. In summary, the available evidence is currently insufficient to determine the role of this variant in disease. Therefore, it has been classified as a Variant of Uncertain Significance.

NM_018646.6(TRPV6):c.1216A>G (p.Thr406Ala)

Gene: TRPV6 (transient receptor potential cation channel subfamily V member 6; minus strand). Cytogenetic location: 7q34.
Variant type: single nucleotide variant.
Coding change: c.1216A>G on transcript NM_018646.6 (MANE Select); coding-DNA position 1216, A replaced by G.
Protein change: p.Thr406Ala; replaces threonine 406 with alanine.
Molecular consequence: missense variant.
Genome position (GRCh38, 1-based): chr7:142,875,494, T>C on the plus strand (A>G on the coding strand, the complement: TRPV6 is on the minus strand). VCF-style: chr7-142875494-T-C. GRCh37 (hg19) VCF-style: chr7-142573247-T-C.
Other names: short protein forms T406A.
Identifiers: ClinVar variation 2702400 (VCV002702400.3), dbSNP rs1795040468, ClinGen allele CA369634688.